The following is an entry in ClinVar:

ClinVar aggregate classification (germline): Pathogenic (1 of 4 stars; one submission).

Conditions:
Tuberous sclerosis 2 (TSC2). Identifiers: Orphanet 805, MedGen C1860707, MONDO:0013199, OMIM 613254.

Submission:

Labcorp Genetics (formerly Invitae), Labcorp
Classification: Pathogenic for Tuberous sclerosis 2. Last evaluated: 2020-10-20. Review status: criteria provided, single submitter. Criteria: Invitae Variant Classification Sherloc (09022015). Collection method: clinical testing. Allele origin: germline.
Comment: This sequence change results in a frameshift in the TSC2 gene (p.Gln1714Argfs*112). While this is not anticipated to result in nonsense mediated decay, it is expected to disrupt the last 94 amino acid(s) of the TSC2 protein and extend the protein by 17 additional amino acid residues. This variant is not present in population databases (ExAC no frequency). This variant has not been reported in the literature in individuals with TSC2-related conditions. ClinVar contains an entry for this variant (Variation ID: 238075). This variant disrupts the C-terminus of the TSC2 protein. Other variant(s) that disrupt this region (p.Pro1784Alafs*? and p.Phe1803Leufs*42) have been determined to be pathogenic (PMID: 10205261, 9328481, 24789117). This suggests that variants that disrupt this region of the protein are likely to be causative of disease. For these reasons, this variant has been classified as Pathogenic.

Literature cited by the submitters: PubMed 10205261; PubMed 9328481; PubMed 24789117.

NM_000548.5(TSC2):c.5140del (p.Gln1714fs)

Gene: TSC2 (TSC complex subunit 2; plus strand). Cytogenetic location: 16p13.3.
Variant type: Deletion.
Coding change: c.5140del on transcript NM_000548.5 (MANE Select); coding-DNA position 5140, one base deleted (C; older notation c.5140delC).
Protein change: p.Gln1714fs; shifts the reading frame from glutamine 1714.
Molecular consequence: frameshift variant.
Genome position (GRCh38, 1-based): chr16:2,088,119, C deleted; the last of 2 consecutive C bases (chr16:2,088,118-2,088,119); deleting either gives the same sequence. VCF-style (leftmost placement, unchanged base first): chr16-2088117-GC-G. GRCh37 (hg19) VCF-style: chr16-2138118-GC-G.
Other names: c.4939del, p.Gln1647fs (NM_001077183.3); c.5071del, p.Gln1691fs (NM_001114382.3); c.4831del, p.Gln1611fs (NM_001318827.2); c.4795del, p.Gln1599fs (NM_001318829.2); c.4408del, p.Gln1470fs (NM_001318831.2); c.4972del, p.Gln1658fs (NM_001318832.2); c.4942del, p.Gln1648fs (NM_001363528.2); c.5008del, p.Gln1670fs (NM_001370404.1); and 1 more; short protein forms Q1670fs, Q1599fs, Q1658fs, Q1714fs, Q1470fs, Q1611fs, Q1647fs, Q1648fs.
Identifiers: ClinVar variation 238075 (VCV000238075.8), dbSNP rs878854115, ClinGen allele CA10583343.